The following is an entry in ClinVar:

ClinVar aggregate classification (germline): Conflicting classifications of pathogenicity. Review status: criteria provided, conflicting classifications (1 of 4 stars). 2 submissions from 2 submitters: Uncertain significance (1); Likely benign (1). Last evaluated 2025-10-14.

Conditions:
Inborn genetic diseases. Identifiers: MedGen C0950123, MeSH D030342.
Baller-Gerold syndrome (BGS). Also called: CRANIOSYNOSTOSIS WITH RADIAL DEFECTS. Identifiers: Orphanet 1225, MedGen C0265308, MONDO:0009039, OMIM 218600.

Allele frequency attached by ClinVar (database versions not stated): gnomAD exomes below 0.00001; ExAC 0.00001.
gnomAD v4.1: 3 of 1,609,256 alleles (0.00019%); highest among the groups gnomAD compares: African/African-American, 0.0013%; no homozygotes.

Submissions (2):

Ambry Genetics
Classification: Likely benign for Inborn genetic diseases. Last evaluated: 2025-10-14. Review status: criteria provided, single submitter. Criteria: Ambry Variant Classification Scheme 2023. Collection method: clinical testing. Allele origin: germline.

Labcorp Genetics (formerly Invitae), Labcorp
Classification: Uncertain significance for Baller-Gerold syndrome. Last evaluated: 2024-04-15. Review status: criteria provided, single submitter. Criteria: Invitae Variant Classification Sherloc (09022015). Collection method: clinical testing. Allele origin: germline.
Comment: This sequence change replaces glycine, which is neutral and non-polar, with aspartic acid, which is acidic and polar, at codon 236 of the RECQL4 protein (p.Gly236Asp). The frequency data for this variant in the population databases is considered unreliable, as metrics indicate poor data quality at this position in the gnomAD database. This variant has not been reported in the literature in individuals affected with RECQL4-related conditions. ClinVar contains an entry for this variant (Variation ID: 949039). Algorithms developed to predict the effect of missense changes on protein structure and function output the following: SIFT: "Not Available"; PolyPhen-2: "Not Available"; Align-GVGD: "Not Available". The aspartic acid amino acid residue is found in multiple mammalian species, which suggests that this missense change does not adversely affect protein function. In summary, the available evidence is currently insufficient to determine the role of this variant in disease. Therefore, it has been classified as a Variant of Uncertain Significance.

NM_004260.4(RECQL4):c.707G>A (p.Gly236Asp)

Gene: RECQL4 (RecQ like helicase 4; minus strand). Cytogenetic location: 8q24.3.
Variant type: single nucleotide variant.
Coding change: c.707G>A on transcript NM_004260.4 (MANE Select); coding-DNA position 707, G replaced by A.
Protein change: p.Gly236Asp; replaces glycine 236 with aspartic acid.
Molecular consequence: missense variant.
Genome position (GRCh38, 1-based): chr8:144,516,412, C>T on the plus strand (G>A on the coding strand, the complement: RECQL4 is on the minus strand). VCF-style: chr8-144516412-C-T. GRCh37 (hg19) VCF-style: chr8-145741796-C-T.
Other names: short protein forms G236D.
Identifiers: ClinVar variation 949039 (VCV000949039.7), dbSNP rs778457870, ClinGen allele CA4949201.
Genomic context (GRCh38, chr8:144,516,412, plus strand): 5'-CTGCTGGGCTGGGGGCTCCCCACACGGATGCTGACTTCTTGGAAGGCTGAAGCCTCTGGG[C>T]CCTGGGAGCCAGCACCAGGACCAAGGACAGCCGACTCACCAGGGATCAGAAGTTGTGATT-3'
Protein context (NP_004251.4, residues 226-246): AVLGPGAGSQ[Gly236Asp]PEASAFQEVS